The following is an entry in ClinVar:

NM_021098.3(CACNA1H):c.2653A>G (p.Thr885Ala)

Gene: CACNA1H (calcium voltage-gated channel subunit alpha1 H; plus strand). Cytogenetic location: 16p13.3.
Variant type: single nucleotide variant.
Coding change: c.2653A>G on transcript NM_021098.3 (MANE Select); coding-DNA position 2653, A replaced by G.
Protein change: p.Thr885Ala; replaces threonine 885 with alanine.
Molecular consequence: missense variant.
Genome position (GRCh38, 1-based): chr16:1,206,153, A>G. VCF-style: chr16-1206153-A-G. GRCh37 (hg19) VCF-style: chr16-1256153-A-G.
Other names: c.2653A>G, p.Thr885Ala (NM_001005407.2); short protein forms T885A.
Identifiers: ClinVar variation 4792356 (VCV004792356.1).

ClinVar aggregate classification (germline): Uncertain significance (1 of 4 stars; one submission).

Conditions:
Idiopathic generalized epilepsy. Also called: EIG; Generalised epilepsy. Identifiers: MedGen C0270850, MONDO:0005579, OMIM 600669.
Hyperaldosteronism, familial, type IV (HALD4). Also called: FH IV; ALDOSTERONISM, PRIMARY, AND HYPERTENSION. Identifiers: Orphanet 642671, MedGen C4310756, MONDO:0014875, OMIM 617027.

Submission:

Labcorp Genetics (formerly Invitae), Labcorp
Classification: Uncertain significance for Idiopathic generalized epilepsy; Hyperaldosteronism, familial, type IV. Last evaluated: 2025-10-17. Review status: criteria provided, single submitter. Criteria: Invitae Variant Classification Sherloc (09022015). Collection method: clinical testing. Allele origin: germline.
Comment: This sequence change replaces threonine, which is neutral and polar, with alanine, which is neutral and non-polar, at codon 885 of the CACNA1H protein (p.Thr885Ala). This variant is not present in population databases (gnomAD no frequency). This variant has not been reported in the literature in individuals affected with CACNA1H-related conditions. Invitae Evidence Modeling of protein sequence and biophysical properties (such as structural, functional, and spatial information, amino acid conservation, physicochemical variation, residue mobility, and thermodynamic stability) indicates that this missense variant is expected to disrupt CACNA1H protein function with a positive predictive value of 80%. In summary, the available evidence is currently insufficient to determine the role of this variant in disease. Therefore, it has been classified as a Variant of Uncertain Significance.